The following is an entry in ClinVar:

ClinVar aggregate classification (germline): Pathogenic (1 of 4 stars; one submission).

Submission:

Athena Diagnostics
Classification: Pathogenic. Last evaluated: 2022-04-27. Review status: criteria provided, single submitter. Criteria: Athena Diagnostics Criteria. Collection method: clinical testing. Allele origin: unknown.
Comment: This variant is expected to result in the loss of a functional protein. Multiple unrelated individuals with Duchenne muscular dystrophy (DMD) have been reported with similar deletions of exons 48-52. This variant has not been reported in large, multi-ethnic general populations (Genome Aggregation Database (gnomAD), Cambridge, MA (URL)).

Literature cited by the submitters: PubMed 18752307; PubMed 17561468; PubMed 8149204; PubMed 27750387; PubMed 17854090; PubMed 10465346; PubMed 28181689; PubMed 19367636; PubMed 31081998; PubMed 17259292; PubMed 28332368; PubMed 17253928; PubMed 9048922; PubMed 1618490; PubMed 15684864; PubMed 27854217; PubMed 16049303; PubMed 31139960; PubMed 19084397; PubMed 11388892; PubMed 9619643; PubMed 21815800; PubMed 1483053; PubMed 10619712; PubMed 18663755; PubMed 2491010; PubMed 19937601; PubMed 28610567; PubMed 28116794; PubMed 1864612; PubMed 1684565; PubMed 27593222; PubMed 23588064; PubMed 24236769; PubMed 16936400; PubMed 2810338.

Single allele

Gene: DMD (dystrophin; minus strand). Cytogenetic location: Xp21.1.
Variant type: Deletion.
Identifiers: ClinVar variation 1256408 (VCV001256408.3).